The following is an entry in ClinVar:

ClinVar aggregate classification (germline): Uncertain significance (0 of 4 stars; one submission).

Conditions:
TTC8-related disorder. Also called: TTC8-related condition.

gnomAD v4.1: 1 of 1,613,826 alleles (0.000062%); highest among the groups gnomAD compares: Non-Finnish European, 0.000085%; no homozygotes.

Submission:

PreventionGenetics, part of Exact Sciences
Classification: Uncertain significance for TTC8-related condition. Last evaluated: 2024-07-25. Review status: no assertion criteria provided. Collection method: clinical testing. Allele origin: germline.
Comment: The TTC8 c.1054C>A variant is predicted to result in the amino acid substitution p.Leu352Met. To our knowledge, this variant has not been reported in the literature or in a large population database, indicating this variant is rare. At this time, the clinical significance of this variant is uncertain due to the absence of conclusive functional and genetic evidence.

NM_144596.4(TTC8):c.1054C>A (p.Leu352Met)

Gene: TTC8 (tetratricopeptide repeat domain 8; plus strand). Cytogenetic location: 14q31.3.
Variant type: single nucleotide variant.
Coding change: c.1054C>A on transcript NM_144596.4 (MANE Select); coding-DNA position 1054, C replaced by A.
Protein change: p.Leu352Met; replaces leucine 352 with methionine.
Molecular consequence: missense variant. On other transcripts: non-coding transcript variant (1).
Genome position (GRCh38, 1-based): chr14:88,871,553, C>A. VCF-style: chr14-88871553-C-A. GRCh37 (hg19) VCF-style: chr14-89337897-C-A.
Other names: c.1102C>A, p.Leu368Met (NM_001288781.1); c.460C>A, p.Leu154Met (NM_001288782.1); c.337C>A, p.Leu113Met (NM_001288783.1); c.1024C>A, p.Leu342Met (NM_001366535.2, NM_198309.3); c.934C>A, p.Leu312Met (NM_001366536.2, NM_198310.3); short protein forms L113M, L154M, L312M, L342M, L352M, L368M.
Identifiers: ClinVar variation 3345974 (VCV003345974.1).
Genomic context (GRCh38, chr14:88,871,553, plus strand): 5'-CTTAAAACTTACAAAGTTGGTCTGACACCAAAATTTGTGTGTTCTTTTTTGAAAAGGCGG[C>A]TGCTGCAGATGGGCATTTATAACGGCCAGCTTTTTAACAATCTGGGGCTGTGTTGCTTCT-3'
Protein context (NP_653197.2, residues 342-362): PEIALRFYRR[Leu352Met]LQMGIYNGQL